The following is an entry in ClinVar:

ClinVar aggregate classification (germline): Uncertain significance. Review status: criteria provided, multiple submitters, no conflicts (2 of 4 stars). 2 submissions from 2 submitters: Uncertain significance (2). Last evaluated 2024-03-18.

Conditions:
Fraser syndrome 2 (FRASRS2). Identifiers: MedGen C4540036, MONDO:0054738, OMIM 617666.
Isolated cryptophthalmia. Also called: Cryptophthalmos, unilateral or bilateral, isolated; ANKYLOBLEPHARON, SIMPLE. Identifiers: Orphanet 91396, MedGen C1852453, MONDO:0007410, OMIM 123570.

Allele frequency attached by ClinVar (database versions not stated): ExAC 0.00002; TOPMed 0.00003; gnomAD 0.00005.
gnomAD v4.1: 24 of 1,613,704 alleles (0.0015%); highest among the groups gnomAD compares: Middle Eastern, 0.016%; no homozygotes.

Submissions (2):

Fulgent Genetics
Classification: Uncertain significance for Isolated cryptophthalmia; Fraser syndrome 2. Last evaluated: 2024-03-18. Review status: criteria provided, single submitter. Criteria: ACMG Guidelines, 2015. Collection method: clinical testing. Allele origin: germline.

GeneDx
Classification: Uncertain significance. Last evaluated: 2022-03-13. Review status: criteria provided, single submitter. Criteria: GeneDx Variant Classification Process June 2021. Collection method: clinical testing. Allele origin: germline. Affected: yes.
Comment: Identified in the heterozygous state in a patient with Klippel-Feil syndrome who also harbored a heterozygous variant in the MYO18B gene (Li Z et al., 2020); In silico analysis supports that this missense variant does not alter protein structure/function; This variant is associated with the following publications: (PMID: 32278351)

NM_207361.6(FREM2):c.8479C>T (p.Arg2827Cys)

Gene: FREM2 (FRAS1 related extracellular matrix 2; plus strand). Cytogenetic location: 13q13.3.
Variant type: single nucleotide variant.
Coding change: c.8479C>T on transcript NM_207361.6 (MANE Select); coding-DNA position 8479, C replaced by T.
Protein change: p.Arg2827Cys; replaces arginine 2827 with cysteine.
Molecular consequence: missense variant.
Genome position (GRCh38, 1-based): chr13:38,876,317, C>T. VCF-style: chr13-38876317-C-T. GRCh37 (hg19) VCF-style: chr13-39450454-C-T.
Other names: short protein forms R2827C.
Identifiers: ClinVar variation 1706381 (VCV001706381.3), dbSNP rs774259178, ClinGen allele CA6956146.